The following is an entry in ClinVar:

NM_000399.5(EGR2):c.1226G>A (p.Arg409Gln)

Gene: EGR2 (early growth response 2; minus strand). Cytogenetic location: 10q21.3.
Variant type: single nucleotide variant.
Coding change: c.1226G>A on transcript NM_000399.5 (MANE Select); coding-DNA position 1226, G replaced by A.
Protein change: p.Arg409Gln; replaces arginine 409 with glutamine.
Molecular consequence: missense variant.
Genome position (GRCh38, 1-based): chr10:62,813,412, C>T on the plus strand (G>A on the coding strand, the complement: EGR2 is on the minus strand). VCF-style: chr10-62813412-C-T. GRCh37 (hg19) VCF-style: chr10-64573172-C-T.
Other names: c.1226G>A, p.Arg409Gln (NM_001136177.3, NM_001136178.2); c.1076G>A, p.Arg359Gln (NM_001136179.3, NM_001321037.2); short protein forms R409Q, R359Q.
Identifiers: ClinVar variation 219844 (VCV000219844.20), dbSNP rs864622273, ClinGen allele CA350841.

ClinVar aggregate classification (germline): Pathogenic/Likely pathogenic. Review status: criteria provided, multiple submitters, no conflicts (2 of 4 stars). 3 submissions from 3 submitters: Pathogenic (1); Likely pathogenic (2). Last evaluated 2023-12-11.

Conditions:
Charcot-Marie-Tooth disease, type I (CMT1). Also called: Charcot-Marie-Tooth, Type 1; Charcot-Marie-Tooth disease type 1. Identifiers: Orphanet 65753, MedGen C0751036, MONDO:0019011.

Allele frequency attached by ClinVar (database versions not stated): gnomAD exomes below 0.00001.

Submissions (3):

Labcorp Genetics (formerly Invitae), Labcorp
Classification: Pathogenic for Charcot-Marie-Tooth disease, type I. Last evaluated: 2023-12-11. Review status: criteria provided, single submitter. Criteria: Invitae Variant Classification Sherloc (09022015). Collection method: clinical testing. Allele origin: germline.
Comment: This sequence change replaces arginine, which is basic and polar, with glutamine, which is neutral and polar, at codon 409 of the EGR2 protein (p.Arg409Gln). The frequency data for this variant in the population databases is considered unreliable, as metrics indicate poor data quality at this position in the gnomAD database. This missense change has been observed in individuals with autosomal dominant Charcot-Marie-Tooth disease (PMID: 26204789; Invitae). It has also been observed to segregate with disease in related individuals. ClinVar contains an entry for this variant (Variation ID: 219844). Advanced modeling of protein sequence and biophysical properties (such as structural, functional, and spatial information, amino acid conservation, physicochemical variation, residue mobility, and thermodynamic stability) performed at Invitae indicates that this missense variant is expected to disrupt EGR2 protein function with a positive predictive value of 80%. Experimental studies have shown that this missense change affects EGR2 function (PMID: 26204789). This variant disrupts the p.Arg409 amino acid residue in EGR2. Other variant(s) that disrupt this residue have been determined to be pathogenic (PMID: 9537424, 17717711, 27013732). This suggests that this residue is clinically significant, and that variants that disrupt this residue are likely to be disease-causing. For these reasons, this variant has been classified as Pathogenic.

GeneDx
Classification: Likely pathogenic. Last evaluated: 2020-03-11. Review status: criteria provided, single submitter. Criteria: GeneDx Variant Classification Process June 2021. Collection method: clinical testing. Allele origin: germline. Affected: yes.
Comment: Not observed at a significant frequency in large population cohorts (Lek et al., 2016); In silico analysis supports that this missense variant has a deleterious effect on protein structure/function; This variant is associated with the following publications: (PMID: 26263471, 26204789, 30843326)

ARUP Laboratories, Molecular Genetics and Genomics, ARUP Laboratories
Classification: Likely pathogenic. Last evaluated: 2018-07-25. Review status: criteria provided, single submitter. Criteria: ARUP Molecular Germline Variant Investigation Process. Collection method: clinical testing. Allele origin: germline.
Comment: The p.Arg409Gln variant (rs864622273) was observed segregating with CMT-affected individuals in a multi-generation family (Sevilla 2015). The same arginine residue changed to a tryptophan was also shown segregating with CMT disease in a different family (Warner 1998). The p.Arg409Gln is absent from general population databases such as 1000 Genomes, NHLBI GO Exome Sequencing Project (ESP), and the Genome Aggregation Database (gnomAD), and has been reported to the ClinVar database as a pathogenic/likely pathogenic variant (ClinVar ID: 219844). The arginine at position 409 is highly conserved in the animal kingdom and is located in the third zinc-finger domain of the EGR2, which is required for DNA binding and specificity. More importantly this variant is clustered with other disease causing variants that are observed in the three zinc finger domains of EGR2 listed in HGMD (Stenson 2017 and Alamut v2.10). Functional studies also support a reduction in transcriptional activity of the p.Arg409Gln variant compared to wild type (Sevilla 2015). Given the current evidence, this variant is likely to be pathogenic.

Literature cited by the submitters: PubMed 26204789 (cited by Labcorp Genetics (formerly Invitae), Labcorp); PubMed 9537424 (cited by Labcorp Genetics (formerly Invitae), Labcorp); PubMed 17717711 (cited by Labcorp Genetics (formerly Invitae), Labcorp); PubMed 27013732 (cited by Labcorp Genetics (formerly Invitae), Labcorp).